The following is an entry in ClinVar:

NM_000264.5(PTCH1):c.1544T>A (p.Val515Asp)

Gene: PTCH1 (patched 1; minus strand). Cytogenetic location: 9q22.32.
Variant type: single nucleotide variant.
Coding change: c.1544T>A on transcript NM_000264.5 (MANE Select); coding-DNA position 1544, T replaced by A.
Protein change: p.Val515Asp; replaces valine 515 with aspartic acid.
Molecular consequence: missense variant. On other transcripts: non-coding transcript variant (1).
Genome position (GRCh38, 1-based): chr9:95,476,817, A>T on the plus strand (T>A on the coding strand, the complement: PTCH1 is on the minus strand). VCF-style: chr9-95476817-A-T. GRCh37 (hg19) VCF-style: chr9-98239099-A-T.
Other names: c.1346T>A, p.Val449Asp (NM_001083602.3); c.1541T>A, p.Val514Asp (NM_001083603.3); c.1091T>A, p.Val364Asp (NM_001083604.3, NM_001083605.3, NM_001083606.3 and 1 more transcripts); c.1388T>A, p.Val463Asp (NM_001354918.2); short protein forms V449D, V515D, V514D, V364D, V463D.
Identifiers: ClinVar variation 373575 (VCV000373575.1), dbSNP rs1057518491, ClinGen allele CA16042701.

ClinVar aggregate classification (germline): Uncertain significance (1 of 4 stars; one submission).

Submission:

GeneDx
Classification: Uncertain significance. Last evaluated: 2016-11-30. Review status: criteria provided, single submitter. Criteria: GeneDx Variant Classification (06012015). Collection method: clinical testing. Allele origin: germline. Affected: yes.
Comment: A variant of uncertain significance has been identified in the PTCH1 gene. The V515D variant has not been published as a pathogenic variant, nor has it been reported as a benign variant to our knowledge. It was not observed in approximately 6,500 individuals of European and African American ancestry in the NHLBI Exome Sequencing Project, indicating it is not a common benign variant in these populations. The V515D variant is a non-conservative amino acid substitution, which is likely to impact secondary protein structure as these residues differ in polarity, charge, size, and/or other properties. This substitution occurs at a position where amino acids with similar properties to Valine are tolerated across species. In silico analysis predicts this variant is probably damaging to the protein structure/function. Based on the currently available information, it is unclear whether this variant is a pathogenic variant or a rare benign variant.